The following is an entry in ClinVar:

ClinVar aggregate classification (germline): Uncertain significance. Review status: criteria provided, multiple submitters, no conflicts (2 of 4 stars). 2 submissions from 2 submitters: Uncertain significance (2). Last evaluated 2025-12-15.

Conditions:
Familial thoracic aortic aneurysm and aortic dissection (TAAD). Also called: Thoracic aortic aneurysms and dissections. Identifiers: Orphanet 91387, MedGen C4707243, MONDO:0019625.
Multiple self-healing squamous epithelioma (MSSE). Also called: MULTIPLE SELF-HEALING SQUAMOUS EPITHELIOMA, SUSCEPTIBILITY TO. Identifiers: Orphanet 65748, MedGen C0546476, MONDO:0007566, OMIM 132800.
Loeys-Dietz syndrome 1 (LDS1). Also called: TGFBR1-Related Loeys-Dietz Syndrome; FURLONG SYNDROME; AORTIC ANEURYSM, FAMILIAL THORACIC 5. Identifiers: Orphanet 60030, MedGen C4551955, MONDO:0012212, OMIM 609192.

Submissions (2):

Labcorp Genetics (formerly Invitae), Labcorp
Classification: Uncertain significance for Familial thoracic aortic aneurysm and aortic dissection. Last evaluated: 2025-12-15. Review status: criteria provided, single submitter. Criteria: Invitae Variant Classification Sherloc (09022015). Collection method: clinical testing. Allele origin: germline.
Comment: This variant, c.61_78del, results in the deletion of 6 amino acid(s) of the TGFBR1 protein (p.Ala21_Ala26del), but otherwise preserves the integrity of the reading frame. The frequency data for this variant in the population databases is considered unreliable, as metrics indicate insufficient coverage at this position in the gnomAD database. This variant has not been reported in the literature in individuals affected with TGFBR1-related conditions. Experimental studies and prediction algorithms are not available or were not evaluated, and the functional significance of this variant is currently unknown. In summary, the available evidence is currently insufficient to determine the role of this variant in disease. Therefore, it has been classified as a Variant of Uncertain Significance.

Fulgent Genetics
Classification: Uncertain significance for Multiple self-healing squamous epithelioma; Loeys-Dietz syndrome 1. Last evaluated: 2021-10-07. Review status: criteria provided, single submitter. Criteria: ACMG Guidelines, 2015. Collection method: clinical testing. Allele origin: unknown.

NM_004612.4(TGFBR1):c.52GCG[3] (p.Ala21_Ala26del)

Gene: TGFBR1 (transforming growth factor beta receptor 1; plus strand). Cytogenetic location: 9q22.33.
Variant type: Microsatellite.
Coding change: c.52GCG[3] on transcript NM_004612.4 (MANE Select); three copies in a row of the 3-base unit GCG starting at c.52; the reference has nine copies in a row; six copies, 18 bases deleted; also written c.61_78del.
Protein change: p.Ala21_Ala26del.
Molecular consequence: inframe deletion.
Genome position (GRCh38, 1-based): chr9:99,105,266-99,105,283, GCGGCGGCGGCGGCGGCG deleted; deleting any 18 consecutive bases within chr9:99,105,256-99,105,283 gives the same sequence; the position shown is the placement nearest the transcript's 3' end. VCF-style (leftmost placement, unchanged base first): chr9-99105255-TGGCGGCGGCGGCGGCGGC-T. GRCh37 (hg19) VCF-style: chr9-101867537-TGGCGGCGGCGGCGGCGGC-T.
Other names: c.52GCG[3], p.Ala21_Ala26del (NM_001130916.3, NM_001306210.2); c.61_78del (NM_004612.4).
Identifiers: ClinVar variation 1425678 (VCV001425678.9), dbSNP rs11466445, ClinGen allele CA1127261657.